The following is an entry in ClinVar:

ClinVar aggregate classification (germline): Uncertain significance. Review status: criteria provided, multiple submitters, no conflicts (2 of 4 stars). 2 submissions from 2 submitters: Uncertain significance (2). Last evaluated 2024-03-16.

Conditions:
Hereditary cancer-predisposing syndrome. Also called: Hereditary Cancer Syndrome; Neoplastic Syndromes, Hereditary; Tumor predisposition; Hereditary neoplastic syndrome. Identifiers: Orphanet 140162, MedGen C0027672, MeSH D009386, MONDO:0015356.

Allele frequency attached by ClinVar (database versions not stated): gnomAD exomes below 0.00001.
gnomAD v4.1: 2 of 1,610,332 alleles (0.00012%); highest among the groups gnomAD compares: South Asian, 0.0011%; no homozygotes.

Submissions (2):

Ambry Genetics
Classification: Uncertain significance for Hereditary cancer-predisposing syndrome. Last evaluated: 2024-03-16. Review status: criteria provided, single submitter. Criteria: Ambry Variant Classification Scheme 2023. Collection method: clinical testing. Allele origin: germline.
Comment: The p.I1124T variant (also known as c.3371T>C), located in coding exon 27 of the POLE gene, results from a T to C substitution at nucleotide position 3371. The isoleucine at codon 1124 is replaced by threonine, an amino acid with similar properties. This amino acid position is conserved. In addition, the in silico prediction for this alteration is inconclusive. Based on the available evidence, the clinical significance of this alteration remains unclear.

Labcorp Genetics (formerly Invitae), Labcorp
Classification: Uncertain significance. Last evaluated: 2024-02-06. Review status: criteria provided, single submitter. Criteria: Invitae Variant Classification Sherloc (09022015). Collection method: clinical testing. Allele origin: germline.
Comment: This sequence change replaces isoleucine, which is neutral and non-polar, with threonine, which is neutral and polar, at codon 1124 of the POLE protein (p.Ile1124Thr). This variant is not present in population databases (gnomAD no frequency). This variant has not been reported in the literature in individuals affected with POLE-related conditions. ClinVar contains an entry for this variant (Variation ID: 1980044). Advanced modeling of protein sequence and biophysical properties (such as structural, functional, and spatial information, amino acid conservation, physicochemical variation, residue mobility, and thermodynamic stability) performed at Invitae indicates that this missense variant is expected to disrupt POLE protein function with a positive predictive value of 80%. In summary, the available evidence is currently insufficient to determine the role of this variant in disease. Therefore, it has been classified as a Variant of Uncertain Significance.

NM_006231.4(POLE):c.3371T>C (p.Ile1124Thr)

Gene: POLE (DNA polymerase epsilon, catalytic subunit; minus strand). Cytogenetic location: 12q24.33.
Variant type: single nucleotide variant.
Coding change: c.3371T>C on transcript NM_006231.4 (MANE Select); coding-DNA position 3371, T replaced by C.
Protein change: p.Ile1124Thr; replaces isoleucine 1124 with threonine.
Molecular consequence: missense variant.
Genome position (GRCh38, 1-based): chr12:132,657,875, A>G on the plus strand (T>C on the coding strand, the complement: POLE is on the minus strand). VCF-style: chr12-132657875-A-G. GRCh37 (hg19) VCF-style: chr12-133234461-A-G.
Other names: c.3371T>C (NM_006231.2); short protein forms I1124T.
Identifiers: ClinVar variation 1980044 (VCV001980044.5), dbSNP rs2542007357, ClinGen allele CA387389585.